The following is an entry in ClinVar:

ClinVar aggregate classification (germline): Uncertain significance (1 of 4 stars; one submission).

Conditions:
Genitopatellar syndrome (GTPTS). Also called: ABSENT PATELLAE, SCROTAL HYPOPLASIA, RENAL ANOMALIES, FACIAL DYSMORPHISM, AND MENTAL RETARDATION; Genitopatellar syndrome (GPS). Identifiers: Orphanet 85201, MedGen C1853566, MONDO:0011640, OMIM 606170.

gnomAD v4.1: 3 of 1,614,156 alleles (0.00019%); highest among the groups gnomAD compares: Admixed American, 0.0017%; no homozygotes.

Submission:

Labcorp Genetics (formerly Invitae), Labcorp
Classification: Uncertain significance for Genitopatellar syndrome. Last evaluated: 2026-01-12. Review status: criteria provided, single submitter. Criteria: Invitae Variant Classification Sherloc (09022015). Collection method: clinical testing. Allele origin: germline.
Comment: This sequence change replaces glycine, which is neutral and non-polar, with serine, which is neutral and polar, at codon 885 of the KAT6B protein (p.Gly885Ser). This variant is not present in population databases (gnomAD no frequency). This variant has not been reported in the literature in individuals affected with KAT6B-related conditions. ClinVar contains an entry for this variant (Variation ID: 3636933). Invitae Evidence Modeling of protein sequence and biophysical properties (such as structural, functional, and spatial information, amino acid conservation, physicochemical variation, residue mobility, and thermodynamic stability) indicates that this missense variant is not expected to disrupt KAT6B protein function with a negative predictive value of 80%. In summary, the available evidence is currently insufficient to determine the role of this variant in disease. Therefore, it has been classified as a Variant of Uncertain Significance.

NM_012330.4(KAT6B):c.2653G>A (p.Gly885Ser)

Gene: KAT6B (lysine acetyltransferase 6B; plus strand). Cytogenetic location: 10q22.2.
Variant type: single nucleotide variant.
Coding change: c.2653G>A on transcript NM_012330.4 (MANE Select); coding-DNA position 2653, G replaced by A.
Protein change: p.Gly885Ser; replaces glycine 885 with serine.
Molecular consequence: missense variant.
Genome position (GRCh38, 1-based): chr10:75,020,605, G>A. VCF-style: chr10-75020605-G-A. GRCh37 (hg19) VCF-style: chr10-76780363-G-A.
Other names: c.1588G>A, p.Gly530Ser (NM_001370144.1, NM_001370143.1); c.310G>A, p.Gly104Ser (NM_001370135.1); c.2653G>A, p.Gly885Ser (NM_001370136.1, NM_001370137.1); c.2104G>A, p.Gly702Ser (NM_001370138.1, NM_001256468.2); c.1777G>A, p.Gly593Ser (NM_001370139.1, NM_001370140.1, NM_001370141.1 and 2 more transcripts); c.1615G>A, p.Gly539Ser (NM_001370132.1); c.964G>A, p.Gly322Ser (NM_001370133.1); c.568G>A, p.Gly190Ser (NM_001370134.1); short protein forms G885S, G539S, G702S, G104S, G190S, G593S, G322S, G530S.
Identifiers: ClinVar variation 3636933 (VCV003636933.2).
Genomic context (GRCh38, chr10:75,020,605, plus strand): 5'-CACAGTGAGGAATGCCCATTTATTTTTTCTGCCCTAGGCTATTTGCTTTCTAGAAGAGAA[G>A]GCCAAGCAGGGTCTCCTGAAAAGCCTCTCTCCGATCTGGGCCGTCTCTCCTACCTGGCAT-3'
Protein context (NP_036462.2, residues 875-895): DFSYLLSRRE[Gly885Ser]QAGSPEKPLS